The following is an entry in ClinVar:

NM_000400.4(ERCC2):c.2223_2231del (p.Gln743_Glu745del)

Gene: ERCC2 (ERCC excision repair 2, TFIIH core complex helicase subunit; minus strand). Cytogenetic location: 19q13.32.
Variant type: Deletion.
Coding change: c.2223_2231del on transcript NM_000400.4 (MANE Select); coding-DNA positions 2223 to 2231, 9 bases deleted (GGAGCAGCT; older notation c.2223_2231delGGAGCAGCT).
Protein change: p.Gln743_Glu745del.
Molecular consequence: inframe deletion. On other transcripts: non-coding transcript variant (3).
Genome position (GRCh38, 1-based): chr19:45,351,681-45,351,689, AGCTGCTCC deleted on the plus strand (GGAGCAGCT on the coding strand, the reverse complement: ERCC2 is on the minus strand); deleting any 9 consecutive bases within chr19:45,351,681-45,351,691 gives the same sequence; the c. name uses the placement nearest the transcript's 3' end. VCF-style (leftmost placement, unchanged base first): chr19-45351680-TAGCTGCTCC-T. GRCh37 (hg19) VCF-style: chr19-45854938-TAGCTGCTCC-T.
Other names: c.2151_2159del, p.Gln719_Glu721del (NM_001440355.1); c.2145_2153del, p.Gln717_Glu719del (NM_001440356.1); c.2100_2108del, p.Gln702_Glu704del (NM_001440357.1).
Identifiers: ClinVar variation 5003940 (VCV005003940.1).

ClinVar aggregate classification (germline): Uncertain significance (1 of 4 stars; one submission).

Conditions:
ERCC2-related disorder. Also called: ERCC2-related disorders; ERCC2-related conditions; ERCC2-related condition. Identifiers: MedGen CN239291.

Submission:

Myriad Genetics, Inc.
Classification: Uncertain significance for ERCC2-related disorder. Last evaluated: 2026-03-05. Review status: criteria provided, single submitter. Criteria: Myriad Autosomal Dominant, Autosomal Recessive and X-Linked Classification Criteria (2023). Collection method: clinical testing. Allele origin: unknown.
Comment: NM_000400.3(ERCC2):c.2223_2231del9(Q743_E745del) is an in-frame deletion classified as a variant of uncertain significance in the context of ERCC2-related disorders. Q743_E745del has not been observed in cases with relevant disease. Relevant functional assessments of this variant are not available in the literature. Q743_E745del has not been observed in referenced population frequency databases. In summary, there is insufficient evidence to classify NM_000400.3(ERCC2):c.2223_2231del9(Q743_E745del) as pathogenic or benign. Please note: this variant was assessed in the context of healthy population screening.